The following is an entry in ClinVar:

ClinVar aggregate classification (germline): Uncertain significance (1 of 4 stars; one submission).

Conditions:
Hereditary cancer-predisposing syndrome. Also called: Hereditary Cancer Syndrome; Hereditary neoplastic syndrome; Neoplastic Syndromes, Hereditary; Tumor predisposition. Identifiers: Orphanet 140162, MedGen C0027672, MeSH D009386, MONDO:0015356.

Submission:

Ambry Genetics
Classification: Uncertain significance for Hereditary cancer-predisposing syndrome. Last evaluated: 2022-07-19. Review status: criteria provided, single submitter. Criteria: Ambry Variant Classification Scheme 2023. Collection method: clinical testing. Allele origin: germline.
Comment: The p.G195R variant (also known as c.583G>C), located in coding exon 6 of the PRKAR1A gene, results from a G to C substitution at nucleotide position 583. The glycine at codon 195 is replaced by arginine, an amino acid with dissimilar properties. This amino acid position is conserved. In addition, this alteration is predicted to be deleterious by in silico analysis. Since supporting evidence is limited at this time, the clinical significance of this alteration remains unclear.

NM_002734.5(PRKAR1A):c.583G>C (p.Gly195Arg)

Gene: PRKAR1A (protein kinase cAMP-dependent type I regulatory subunit alpha; plus strand). Cytogenetic location: 17q24.2.
Variant type: single nucleotide variant.
Coding change: c.583G>C on transcript NM_002734.5 (MANE Select); coding-DNA position 583, G replaced by C.
Protein change: p.Gly195Arg; replaces glycine 195 with arginine.
Molecular consequence: missense variant.
Genome position (GRCh38, 1-based): chr17:68,525,787, G>C. VCF-style: chr17-68525787-G-C. GRCh37 (hg19) VCF-style: chr17-66521928-G-C.
Other names: c.583G>C, p.Gly195Arg (NM_001276289.2, NM_001276290.1, NM_001278433.2 and 4 more transcripts); short protein forms G195R.
Identifiers: ClinVar variation 1750012 (VCV001750012.2), dbSNP rs2509418832, ClinGen allele CA400753124.